The following is an entry in ClinVar:

ClinVar aggregate classification (germline): Pathogenic. Review status: reviewed by expert panel (3 of 4 stars). 9 submissions from 9 submitters: Pathogenic (1). 8 of the submissions do not count toward it. Last evaluated 2016-09-08.

Conditions:
BRCA1-related disorder. Also called: BRCA1-related condition.
BRCA1-related cancer predisposition. Identifiers: MedGen CN377757, MONDO:0700268.
Hereditary cancer-predisposing syndrome. Also called: Tumor predisposition; Neoplastic Syndromes, Hereditary; Hereditary Cancer Syndrome; Hereditary neoplastic syndrome. Identifiers: Orphanet 140162, MedGen C0027672, MeSH D009386, MONDO:0015356.
Hereditary breast ovarian cancer syndrome. Also called: Hereditary breast and ovarian cancer syndrome (HBOC); Hereditary breast and ovarian cancer syndrome; Hereditary breast and ovarian cancer; Hereditary breast and/or ovarian cancer syndrome; Breast and ovarian cancer; BRCA1- and BRCA2-Associated Hereditary Breast and Ovarian Cancer. Identifiers: Orphanet 145, MedGen C0677776, MeSH D061325, MONDO:0003582. Disease mechanism: loss of function.
Breast-ovarian cancer, familial, susceptibility to, 1 (BROVCA1). Also called: OVARIAN CANCER, SUSCEPTIBILITY TO; BRCA1 Hereditary Breast and Ovarian Cancer. Identifiers: Orphanet 145, MedGen C2676676, MONDO:0011450, OMIM 604370. Disease mechanism: loss of function.

Submissions (9):

Evidence-based Network for the Interpretation of Germline Mutant Alleles (ENIGMA)
Classification: Pathogenic for Breast-ovarian cancer, familial, susceptibility to, 1. Last evaluated: 2016-09-08. Review status: reviewed by expert panel. Criteria: ENIGMA BRCA1/2 Classification Criteria (2015). Collection method: curation. Allele origin: germline.
Comment: Variant allele predicted to encode a truncated non-functional protein.

Ambry Genetics
Classification: Pathogenic for Hereditary cancer-predisposing syndrome. Last evaluated: 2025-09-30. Review status: criteria provided, single submitter. Criteria: Ambry Variant Classification Scheme 2023. Collection method: clinical testing. Allele origin: germline. Not counted in ClinVar's aggregate classification.
Comment: The c.1530delA pathogenic mutation, located in coding exon 9 of the BRCA1 gene, results from a deletion of one nucleotide at nucleotide position 1530, causing a translational frameshift with a predicted alternate stop codon (p.G511Afs*21). This variant was reported in one family who participated in the Scottish/Northern Irish BRCA1/BRCA2 Consortium study (S/NI Consortium, Br. J. Cancer 2003 Apr; 88(8):1256-62). This alteration is also known as 1649delA in published literature. This variant is considered to be rare based on population cohorts in the Genome Aggregation Database (gnomAD). This alteration is expected to result in loss of function by premature protein truncation or nonsense-mediated mRNA decay. As such, this alteration is interpreted as a disease-causing mutation.

Color Diagnostics, LLC DBA Color Health
Classification: Pathogenic for Hereditary cancer-predisposing syndrome. Last evaluated: 2024-11-25. Review status: criteria provided, single submitter. Criteria: ACMG Guidelines, 2015. Collection method: clinical testing. Allele origin: germline. Not counted in ClinVar's aggregate classification.
Comment: This variant deletes 1 nucleotide in exon 10/23 of the BRCA1 gene, creating a frameshift and premature translation stop signal. This variant is expected to result in an absent or non-functional protein product. This variant has been reported in individuals affected with breast and/or ovarian cancer (PMID: 12698193). This variant has not been identified in the general population by the Genome Aggregation Database (gnomAD). Loss of BRCA1 function is a known mechanism of disease. Based on the available evidence, this variant is classified as Pathogenic.

All of Us Research Program, National Institutes of Health
Classification: Pathogenic for BRCA1-related cancer predisposition. Last evaluated: 2024-09-27. Review status: criteria provided, single submitter. Criteria: ACMG Guidelines, 2015. Collection method: clinical testing. Allele origin: germline. Inheritance: Autosomal dominant inheritance. Observed: 1 variant allele, 1 heterozygote. Not counted in ClinVar's aggregate classification.
Comment: The c.1530del variant in the BRCA1 gene is located on the exon 10 and is predicted to cause shift of reading frame which introduces a premature translation termination codon (p.Gly511Alafs*21), resulting in an absent or disrupted protein product. The variant has been reported from individuals with breast and/or ovarian cancer (PMID: 29446198, 12698193). The other protein termination codon variants located in the same exon (p.Ser510*, p.Leu598*) have been interpreted as pathogenic (ClinVar ID: 54286, 54352). Loss-of-function variants in the BRCA1 gene are known to cause hereditary breast and ovarian cancer (PMID: 21989022, 11802209, 32375709). This variant has been reported in ClinVar as pathogenic by the expert panel (ID: 54287). The variant is absent in the general population database (gnomAD). Therefore, the c.1530del (p.Gly511Alafs*21) variant in the BRCA1 gene has been classified as pathogenic.

This study involves interpretation of variants in research participants for the purpose of population health screening. Participant phenotype was not available at the time of variant classification. Additional details can be found in publication PMID: 35346344, PMCID: PMC8962531

Labcorp Genetics (formerly Invitae), Labcorp
Classification: Pathogenic for Hereditary breast ovarian cancer syndrome. Last evaluated: 2023-03-13. Review status: criteria provided, single submitter. Criteria: Invitae Variant Classification Sherloc (09022015). Collection method: clinical testing. Allele origin: germline. Not counted in ClinVar's aggregate classification.
Comment: For these reasons, this variant has been classified as Pathogenic. ClinVar contains an entry for this variant (Variation ID: 54287). This premature translational stop signal has been observed in individual(s) with breast and/or ovarian cancer (PMID: 12698193, 29446198). This variant is not present in population databases (gnomAD no frequency). This sequence change creates a premature translational stop signal (p.Gly511Alafs*21) in the BRCA1 gene. It is expected to result in an absent or disrupted protein product. Loss-of-function variants in BRCA1 are known to be pathogenic (PMID: 20104584).

Blueprint Genetics
Classification: Pathogenic for BRCA1-related disorders. Last evaluated: 2022-12-22. Review status: criteria provided, single submitter. Criteria: ACMG Guidelines, 2015. Collection method: clinical testing. Allele origin: germline. Affected: yes. Observed: 1 variant allele. Not counted in ClinVar's aggregate classification.

GeneDx
Classification: Pathogenic. Last evaluated: 2022-08-27. Review status: criteria provided, single submitter. Criteria: GeneDx Variant Classification Process June 2021. Collection method: clinical testing. Allele origin: germline. Affected: yes. Not counted in ClinVar's aggregate classification.
Comment: Frameshift variant predicted to result in protein truncation or nonsense mediated decay in a gene for which loss of function is a known mechanism of disease; Identified in individuals with a personal and/or family history suggestive of hereditary breast and ovarian cancer syndrome (Scottish/Northern Irish BRCAI/BRCA2 Consortium 2003); Not observed at significant frequency in large population cohorts (gnomAD); Truncating variants in this gene are considered pathogenic by a well-established clinical consortium and/or database; Also known as 1649elA; This variant is associated with the following publications: (PMID: 12698193)

Consortium of Investigators of Modifiers of BRCA1/2 (CIMBA), c/o University of Cambridge
Classification: Pathogenic for Breast-ovarian cancer, familial, susceptibility to, 1. Last evaluated: 2015-10-02. Review status: criteria provided, single submitter. Criteria: CIMBA Mutation Classification guidelines May 2016. Collection method: clinical testing. Allele origin: germline. Not counted in ClinVar's aggregate classification.

Breast Cancer Information Core (BIC) (BRCA1)
Classification: Pathogenic for Breast-ovarian cancer, familial 1. Last evaluated: 2004-02-20. Review status: no assertion criteria provided. Collection method: clinical testing. Allele origin: germline. Affected: yes. Observed: 2 variant alleles. Not counted in ClinVar's aggregate classification.

Literature cited by the submitters: PubMed 12698193 (cited by 4 submitters); PubMed 11802209 (cited by All of Us Research Program, National Institutes of Health); PubMed 21989022 (cited by All of Us Research Program, National Institutes of Health); PubMed 29446198 (cited by All of Us Research Program, National Institutes of Health and Labcorp Genetics (formerly Invitae), Labcorp); PubMed 32375709 (cited by All of Us Research Program, National Institutes of Health); PubMed 20104584 (cited by Labcorp Genetics (formerly Invitae), Labcorp).

NM_007294.4(BRCA1):c.1530del (p.Gly511fs)

Gene: BRCA1 (BRCA1 DNA repair associated; minus strand). Cytogenetic location: 17q21.31.
Variant type: Deletion.
Coding change: c.1530del on transcript NM_007294.4 (MANE Select); coding-DNA position 1530, one base deleted (A; older notation c.1530delA).
Protein change: p.Gly511fs; shifts the reading frame from glycine 511.
Molecular consequence: frameshift variant. On other transcripts: intron variant (137).
Genome position (GRCh38, 1-based): chr17:43,094,001, T deleted on the plus strand (A on the coding strand, the reverse complement: BRCA1 is on the minus strand). VCF-style (leftmost placement, unchanged base first): chr17-43094000-CT-C. GRCh37 (hg19) VCF-style: chr17-41246017-CT-C.
Other names: 1649delA; c.1317del, p.Gly440fs (NM_001407571.1, NM_001407853.1, NM_001407894.1 and 9 more transcripts); c.1530del, p.Gly511fs (NM_001407581.1, NM_001407582.1, NM_001407583.1 and 30 more transcripts); c.1527del, p.Gly510fs (NM_001407587.1, NM_001407590.1, NM_001407591.1 and 22 more transcripts); c.1521del, p.Gly508fs (NM_001407646.1, NM_001407647.1); c.1407del, p.Gly470fs (NM_001407648.1, NM_001407664.1, NM_001407665.1 and 19 more transcripts); c.1404del, p.Gly469fs (NM_001407649.1, NM_001407670.1, NM_001407671.1 and 11 more transcripts); c.1452del, p.Gly485fs (NM_001407653.1, NM_001407654.1, NM_001407655.1 and 4 more transcripts); and 41 more; short protein forms G464fs, G511fs, G384fs, G399fs, G440fs, G400fs, G441fs, G469fs.
Identifiers: ClinVar variation 54287 (VCV000054287.23), dbSNP rs80357735, ClinGen allele CA001031.